The following is an entry in ClinVar:

ClinVar aggregate classification (germline): Likely pathogenic (1 of 4 stars; one submission).

Conditions:
Hereditary cancer-predisposing syndrome. Also called: Neoplastic Syndromes, Hereditary; Tumor predisposition; Hereditary neoplastic syndrome; Hereditary Cancer Syndrome. Identifiers: Orphanet 140162, MedGen C0027672, MeSH D009386, MONDO:0015356.
Cardiovascular phenotype. Identifiers: MedGen CN230736.

Submission:

Ambry Genetics
Classification: Likely pathogenic for Cardiovascular phenotype; Hereditary cancer-predisposing syndrome. Last evaluated: 2024-07-26. Review status: criteria provided, single submitter. Criteria: Ambry Variant Classification Scheme 2023. Collection method: clinical testing. Allele origin: germline.
Comment: The c.205-31_205-28delACTT intronic variant begins 31 nucleotides before coding exon 3 in the NF1 gene. This variant results from a deletion of 4 nucleotides at positions c.205-31 to c.205-28. This nucleotide position is well conserved in available vertebrate species. In silico splice site analysis predicts that this alteration will weaken the native splice acceptor site. RNA studies have demonstrated that this alteration results in abnormal splicing in the set of samples tested (Ambry internal data). Based on the majority of available evidence to date, this variant is likely to be pathogenic.

NM_001042492.3(NF1):c.205-31_205-28del

Gene: NF1 (neurofibromin 1; plus strand). Cytogenetic location: 17q11.2.
Variant type: Deletion.
Coding change: c.205-31_205-28del on transcript NM_001042492.3 (MANE Select); 31 bases into the intron before coding-DNA position 205 through 28 bases into the intron before coding-DNA position 205, 4 bases deleted (ACTT; older notation c.205-31_205-28delACTT).
Molecular consequence: intron variant.
Genome position (GRCh38, 1-based): chr17:31,158,979-31,158,982, ACTT deleted. VCF-style (leftmost placement, unchanged base first): chr17-31158978-AACTT-A. GRCh37 (hg19) VCF-style: chr17-29485996-AACTT-A.
Other names: c.205-31_205-28delACTT (NM_000267.3); c.205-31_205-28del (NM_000267.4, NM_001128147.3).
Identifiers: ClinVar variation 3237666 (VCV003237666.2), dbSNP rs1567816000.